The following is an entry in ClinVar:

NM_001388492.1(HTT):c.5906T>C (p.Met1969Thr)

Gene: HTT (huntingtin; plus strand). Cytogenetic location: 4p16.3.
Variant type: single nucleotide variant.
Coding change: c.5906T>C on transcript NM_001388492.1 (MANE Select); coding-DNA position 5906, T replaced by C.
Protein change: p.Met1969Thr; replaces methionine 1969 with threonine.
Molecular consequence: missense variant.
Genome position (GRCh38, 1-based): chr4:3,206,814, T>C. VCF-style: chr4-3206814-T-C. GRCh37 (hg19) VCF-style: chr4-3208541-T-C.
Other names: c.5912T>C, p.Met1971Thr (NM_002111.8); short protein forms M1971T, M1969T.
Identifiers: ClinVar variation 1412677 (VCV001412677.6), dbSNP rs2110269730, ClinGen allele CA356082395.

ClinVar aggregate classification (germline): Uncertain significance (1 of 4 stars; one submission).

Submission:

Labcorp Genetics (formerly Invitae), Labcorp
Classification: Uncertain significance. Last evaluated: 2021-04-28. Review status: criteria provided, single submitter. Criteria: Invitae Variant Classification Sherloc (09022015). Collection method: clinical testing. Allele origin: germline.
Comment: This sequence change replaces methionine with threonine at codon 1971 of the HTT protein (p.Met1971Thr). The methionine residue is weakly conserved and there is a moderate physicochemical difference between methionine and threonine. This variant is not present in population databases (ExAC no frequency). This variant has not been reported in the literature in individuals with HTT-related conditions. Experimental studies and prediction algorithms are not available or were not evaluated, and the functional significance of this variant is currently unknown. In summary, the available evidence is currently insufficient to determine the role of this variant in disease. Therefore, it has been classified as a Variant of Uncertain Significance.